The following is an entry in ClinVar:

ClinVar aggregate classification (germline): Uncertain significance (1 of 4 stars; one submission).

Conditions:
Inborn genetic diseases. Identifiers: MedGen C0950123, MeSH D030342.

Submission:

Ambry Genetics
Classification: Uncertain significance for Inborn genetic diseases. Last evaluated: 2026-01-16. Review status: criteria provided, single submitter. Criteria: Ambry Variant Classification Scheme 2023. Collection method: clinical testing. Allele origin: germline.
Comment: The p.V501I variant (also known as c.1501G>A), located in coding exon 11 of the BUB1B gene, results from a G to A substitution at nucleotide position 1501. The valine at codon 501 is replaced by isoleucine, an amino acid with highly similar properties. This amino acid position is conserved. In addition, this alteration is predicted to be tolerated by in silico analysis. Based on the available evidence, the clinical significance of this variant remains unclear.

NM_001211.6(BUB1B):c.1501G>A (p.Val501Ile)

Gene: BUB1B (BUB1 mitotic checkpoint serine/threonine kinase B; plus strand). Cytogenetic location: 15q15.1.
Variant type: single nucleotide variant.
Coding change: c.1501G>A on transcript NM_001211.6 (MANE Select); coding-DNA position 1501, G replaced by A.
Protein change: p.Val501Ile; replaces valine 501 with isoleucine.
Molecular consequence: missense variant.
Genome position (GRCh38, 1-based): chr15:40,200,343, G>A. VCF-style: chr15-40200343-G-A. GRCh37 (hg19) VCF-style: chr15-40492544-G-A.
Other names: short protein forms V501I.
Identifiers: ClinVar variation 4824231 (VCV004824231.1).